The following is an entry in ClinVar:

NM_001854.4(COL11A1):c.67G>T (p.Ala23Ser)

Gene: COL11A1 (collagen type XI alpha 1 chain; minus strand). Cytogenetic location: 1p21.1.
Variant type: single nucleotide variant.
Coding change: c.67G>T on transcript NM_001854.4 (MANE Select); coding-DNA position 67, G replaced by T.
Protein change: p.Ala23Ser; replaces alanine 23 with serine.
Molecular consequence: missense variant. On other transcripts: non-coding transcript variant (1).
Genome position (GRCh38, 1-based): chr1:103,108,112, C>A on the plus strand (G>T on the coding strand, the complement: COL11A1 is on the minus strand). VCF-style: chr1-103108112-C-A. GRCh37 (hg19) VCF-style: chr1-103573668-C-A.
Other names: c.67G>T, p.Ala23Ser (NM_001190709.2, NM_080629.3, NM_080630.4); short protein forms A23S.
Identifiers: ClinVar variation 1200636 (VCV001200636.8), dbSNP rs1386580787, ClinGen allele CA341159462.

ClinVar aggregate classification (germline): Conflicting classifications of pathogenicity. Review status: criteria provided, conflicting classifications (1 of 4 stars). 2 submissions from 2 submitters: Uncertain significance (1); Likely benign (1). Last evaluated 2025-02-13.

Submissions (2):

Labcorp Genetics (formerly Invitae), Labcorp
Classification: Likely benign. Last evaluated: 2025-02-13. Review status: criteria provided, single submitter. Criteria: Invitae Variant Classification Sherloc (09022015). Collection method: clinical testing. Allele origin: germline.

GeneDx
Classification: Uncertain significance. Last evaluated: 2020-01-15. Review status: criteria provided, single submitter. Criteria: GeneDx Variant Classification Process June 2021. Collection method: clinical testing. Allele origin: germline. Affected: yes.
Comment: Has not been previously published as pathogenic or benign to our knowledge; Not observed at a significant frequency in large population cohorts (Lek et al., 2016); In silico analysis, which includes protein predictors and evolutionary conservation, supports that this variant does not alter protein structure/function; Not located in the triple helical region, where the majority of pathogenic missense variants occur (Stenson et al., 2014; Acke et al., 2014)